The following is an entry in ClinVar:

NM_014363.6(SACS):c.3283G>A (p.Glu1095Lys)

Gene: SACS (sacsin molecular chaperone; minus strand). Cytogenetic location: 13q12.12.
Variant type: single nucleotide variant.
Coding change: c.3283G>A on transcript NM_014363.6 (MANE Select); coding-DNA position 3283, G replaced by A.
Protein change: p.Glu1095Lys; replaces glutamic acid 1095 with lysine.
Molecular consequence: missense variant.
Genome position (GRCh38, 1-based): chr13:23,340,593, C>T on the plus strand (G>A on the coding strand, the complement: SACS is on the minus strand). VCF-style: chr13-23340593-C-T. GRCh37 (hg19) VCF-style: chr13-23914732-C-T.
Other names: c.3283G>A (NM_014363.5, NM_014363.4); c.2842G>A, p.Glu948Lys (NM_001278055.2); short protein forms E1095K, E948K.
Identifiers: ClinVar variation 2165373 (VCV002165373.6), dbSNP rs200594912, ClinGen allele CA6911544.

ClinVar aggregate classification (germline): Conflicting classifications of pathogenicity. Review status: criteria provided, conflicting classifications (1 of 4 stars). 3 submissions from 3 submitters: Uncertain significance (2); Likely benign (1). Last evaluated 2026-05-13.

Conditions:
Spastic paraplegia. Identifiers: MedGen C0037772, HP:0001258.
SACS-related disorder. Also called: SACS-related condition.

Allele frequency attached by ClinVar (database versions not stated): ExAC 0.00003; gnomAD 0.00004; TOPMed 0.00007; gnomAD exomes 0.00010.
gnomAD v4.1: 160 of 1,613,180 alleles (0.0099%); highest among the groups gnomAD compares: Non-Finnish European, 0.012%; no homozygotes.

Submissions (3):

PreventionGenetics, part of Exact Sciences
Classification: Uncertain significance for SACS-related condition. Last evaluated: 2026-05-13. Review status: criteria provided, single submitter. Criteria: ACMG Guidelines, 2015. Collection method: clinical testing. Allele origin: germline.
Comment: The SACS c.3283G>A variant is predicted to result in the amino acid substitution p.Glu1095Lys. To our knowledge, this variant has not been reported in the literature. This variant is reported in 0.0062% of alleles in individuals of European (Non-Finnish) descent in gnomAD. At this time, the clinical significance of this variant is uncertain due to the absence of conclusive functional and genetic evidence.

Labcorp Genetics (formerly Invitae), Labcorp
Classification: Likely benign for Spastic paraplegia. Last evaluated: 2026-01-18. Review status: criteria provided, single submitter. Criteria: Invitae Variant Classification Sherloc (09022015). Collection method: clinical testing. Allele origin: germline.

Athena Diagnostics
Classification: Uncertain significance. Last evaluated: 2023-11-09. Review status: criteria provided, single submitter. Criteria: Athena Diagnostics Criteria. Collection method: clinical testing. Allele origin: unknown.
Comment: Available data are insufficient to determine the clinical significance of the variant at this time. The frequency of this variant in the general population is uninformative in assessment of its pathogenicity. Computational tools predict that this variant is damaging.